The following is an entry in ClinVar:

ClinVar aggregate classification (germline): Uncertain significance (1 of 4 stars; one submission).

Conditions:
Familial thoracic aortic aneurysm and aortic dissection (TAAD). Also called: Thoracic aortic aneurysms and dissections. Identifiers: Orphanet 91387, MedGen C4707243, MONDO:0019625.

Submission:

Ambry Genetics
Classification: Uncertain significance for Familial thoracic aortic aneurysm and aortic dissection. Last evaluated: 2021-12-24. Review status: criteria provided, single submitter. Criteria: Ambry Variant Classification Scheme 2023. Collection method: clinical testing. Allele origin: germline.
Comment: The p.D90N variant (also known as c.268G>A), located in coding exon 3 of the PLOD1 gene, results from a G to A substitution at nucleotide position 268. The aspartic acid at codon 90 is replaced by asparagine, an amino acid with highly similar properties. This amino acid position is conserved. In addition, this alteration is predicted to be tolerated by in silico analysis. Since supporting evidence is limited at this time, the clinical significance of this alteration remains unclear.

NM_000302.4(PLOD1):c.268G>A (p.Asp90Asn)

Gene: PLOD1 (procollagen-lysine,2-oxoglutarate 5-dioxygenase 1; plus strand). Cytogenetic location: 1p36.22.
Variant type: single nucleotide variant.
Coding change: c.268G>A on transcript NM_000302.4 (MANE Select); coding-DNA position 268, G replaced by A.
Protein change: p.Asp90Asn; replaces aspartic acid 90 with asparagine.
Molecular consequence: missense variant.
Genome position (GRCh38, 1-based): chr1:11,949,872, G>A. VCF-style: chr1-11949872-G-A. GRCh37 (hg19) VCF-style: chr1-12009929-G-A.
Other names: c.409G>A, p.Asp137Asn (NM_001316320.2); short protein forms D137N, D90N.
Identifiers: ClinVar variation 1794782 (VCV001794782.2), dbSNP rs2522805257, ClinGen allele CA338426370.